The following is an entry in ClinVar:

NM_001025195.2(CES1):c.1100A>G (p.Tyr367Cys)

Gene: CES1 (carboxylesterase 1; minus strand). Cytogenetic location: 16q12.2.
Variant type: single nucleotide variant.
Coding change: c.1100A>G on transcript NM_001025195.2 (MANE Select); coding-DNA position 1100, A replaced by G.
Protein change: p.Tyr367Cys; replaces tyrosine 367 with cysteine.
Molecular consequence: missense variant.
Genome position (GRCh38, 1-based): chr16:55,810,997, T>C on the plus strand (A>G on the coding strand, the complement: CES1 is on the minus strand). VCF-style: chr16-55810997-T-C. GRCh37 (hg19) VCF-style: chr16-55844909-T-C.
Other names: c.1097A>G, p.Tyr366Cys (NM_001025194.2); c.1094A>G, p.Tyr365Cys (NM_001266.5); short protein forms Y366C, Y367C, Y365C.
Identifiers: ClinVar variation 3143217 (VCV003143217.19), dbSNP rs146595460, ClinGen allele CA8062197.

ClinVar aggregate classification (germline): Conflicting classifications of pathogenicity. Review status: criteria provided, conflicting classifications (1 of 4 stars). 2 submissions from 2 submitters: Uncertain significance (1); Benign (1). Last evaluated 2026-02-01.

Allele frequency attached by ClinVar (database versions not stated): 1000 Genomes Project 30x 0.00031; 1000 Genomes Project 0.00040; ESP Exome Variant Server 0.00046; gnomAD 0.00072; ExAC 0.00085.
gnomAD v4.1: 1,037 of 1,602,090 alleles (0.065%); highest among the groups gnomAD compares: Middle Eastern, 2.3%; no homozygotes.

Submissions (2):

CeGaT Center for Human Genetics Tuebingen
Classification: Benign. Last evaluated: 2026-02-01. Review status: criteria provided, single submitter. Criteria: CeGaT Center For Human Genetics Tuebingen Variant Classification Criteria Version 2. Collection method: clinical testing. Allele origin: germline. Affected: yes. Observed: 3 variant alleles.
Comment: CES1: BP4, BS1, BS2

Ambry Genetics
Classification: Uncertain significance. Last evaluated: 2021-07-20. Review status: criteria provided, single submitter. Criteria: Ambry Variant Classification Scheme 2023. Collection method: clinical testing. Allele origin: germline.